The following is an entry in ClinVar:

ClinVar aggregate classification (germline): Uncertain significance (1 of 4 stars; one submission).

Conditions:
Lipodystrophy, partial, acquired, susceptibility to (APLD). Also called: APLD, SUSCEPTIBILITY TO. Identifiers: MedGen C3887501, MONDO:0100476, OMIM 608709.
Progressive myoclonic epilepsy type 9. Identifiers: Orphanet 457265, MedGen C4225289, MONDO:0014685, OMIM 616540.

Submission:

Labcorp Genetics (formerly Invitae), Labcorp
Classification: Uncertain significance for Progressive myoclonic epilepsy type 9; Lipodystrophy, partial, acquired, susceptibility to. Last evaluated: 2022-01-14. Review status: criteria provided, single submitter. Criteria: Invitae Variant Classification Sherloc (09022015). Collection method: clinical testing. Allele origin: germline.
Comment: In summary, the available evidence is currently insufficient to determine the role of this variant in disease. Therefore, it has been classified as a Variant of Uncertain Significance. Algorithms developed to predict the effect of missense changes on protein structure and function are either unavailable or do not agree on the potential impact of this missense change (SIFT: "Deleterious"; PolyPhen-2: "Probably Damaging"; Align-GVGD: "Class C0"). ClinVar contains an entry for this variant (Variation ID: 655706). This variant has not been reported in the literature in individuals affected with LMNB2-related conditions. This variant is not present in population databases (gnomAD no frequency). This sequence change replaces lysine, which is basic and polar, with asparagine, which is neutral and polar, at codon 489 of the LMNB2 protein (p.Lys489Asn).

NM_032737.4(LMNB2):c.1467G>C (p.Lys489Asn)

Gene: LMNB2 (lamin B2; minus strand). Cytogenetic location: 19p13.3.
Variant type: single nucleotide variant.
Coding change: c.1467G>C on transcript NM_032737.4 (MANE Select); coding-DNA position 1467, G replaced by C.
Protein change: p.Lys489Asn; replaces lysine 489 with asparagine.
Molecular consequence: missense variant.
Genome position (GRCh38, 1-based): chr19:2,433,841, C>G on the plus strand (G>C on the coding strand, the complement: LMNB2 is on the minus strand). VCF-style: chr19-2433841-C-G. GRCh37 (hg19) VCF-style: chr19-2433839-C-G.
Other names: short protein forms K489N.
Identifiers: ClinVar variation 655706 (VCV000655706.8), dbSNP rs1599331228, ClinGen allele CA403251288.